The following is an entry in ClinVar:

ClinVar aggregate classification (germline): Uncertain significance (1 of 4 stars; one submission).

Submission:

Labcorp Genetics (formerly Invitae), Labcorp
Classification: Uncertain significance. Last evaluated: 2022-09-13. Review status: criteria provided, single submitter. Criteria: Invitae Variant Classification Sherloc (09022015). Collection method: clinical testing. Allele origin: germline.
Comment: This variant has not been reported in the literature in individuals affected with PITPNM3-related conditions. In summary, the available evidence is currently insufficient to determine the role of this variant in disease. Therefore, it has been classified as a Variant of Uncertain Significance. Advanced modeling of protein sequence and biophysical properties (such as structural, functional, and spatial information, amino acid conservation, physicochemical variation, residue mobility, and thermodynamic stability) performed at Invitae indicates that this missense variant is not expected to disrupt PITPNM3 protein function. ClinVar contains an entry for this variant (Variation ID: 1042229). This variant is not present in population databases (gnomAD no frequency). This sequence change replaces proline, which is neutral and non-polar, with leucine, which is neutral and non-polar, at codon 648 of the PITPNM3 protein (p.Pro648Leu).

NM_031220.4(PITPNM3):c.1943C>T (p.Pro648Leu)

Gene: PITPNM3 (PITPNM family member 3; minus strand). Cytogenetic location: 17p13.2.
Variant type: single nucleotide variant.
Coding change: c.1943C>T on transcript NM_031220.4 (MANE Select); coding-DNA position 1943, C replaced by T.
Protein change: p.Pro648Leu; replaces proline 648 with leucine.
Molecular consequence: missense variant.
Genome position (GRCh38, 1-based): chr17:6,464,719, G>A on the plus strand (C>T on the coding strand, the complement: PITPNM3 is on the minus strand). VCF-style: chr17-6464719-G-A. GRCh37 (hg19) VCF-style: chr17-6368039-G-A.
Other names: c.1835C>T, p.Pro612Leu (NM_001165966.2); short protein forms P612L, P648L.
Identifiers: ClinVar variation 1042229 (VCV001042229.10), dbSNP rs1904671521, ClinGen allele CA397403310.